The following is an entry in ClinVar:

ClinVar aggregate classification (germline): Conflicting classifications of pathogenicity. Review status: criteria provided, conflicting classifications (1 of 4 stars). 3 submissions from 3 submitters: Uncertain significance (2); Likely benign (1). Last evaluated 2025-07-28.

Conditions:
Tumor predisposition syndrome 3 (TPDS3). Also called: Glioma susceptibility 9; LONG TELOMERE SYNDROME, POT1-RELATED; POT1 Tumor Predisposition; Melanoma, cutaneous malignant, susceptibility to, 10. Identifiers: Orphanet 618, MedGen C4014476, MONDO:0014368, OMIM 615848.
Hereditary cancer-predisposing syndrome. Also called: Hereditary neoplastic syndrome; Hereditary Cancer Syndrome; Neoplastic Syndromes, Hereditary; Tumor predisposition. Identifiers: Orphanet 140162, MedGen C0027672, MeSH D009386, MONDO:0015356.

Allele frequency attached by ClinVar (database versions not stated): TOPMed 0.00001.
gnomAD v4.1: 1 of 1,608,296 alleles (0.000062%); highest among the groups gnomAD compares: Non-Finnish European, 0.000085%; no homozygotes.

Submissions (3):

Ambry Genetics
Classification: Likely benign for Hereditary cancer-predisposing syndrome. Last evaluated: 2025-07-28. Review status: criteria provided, single submitter. Criteria: Ambry Variant Classification Scheme 2023. Collection method: clinical testing. Allele origin: germline.

Labcorp Genetics (formerly Invitae), Labcorp
Classification: Uncertain significance for Tumor predisposition syndrome 3. Last evaluated: 2025-01-15. Review status: criteria provided, single submitter. Criteria: Invitae Variant Classification Sherloc (09022015). Collection method: clinical testing. Allele origin: germline.
Comment: This sequence change replaces methionine, which is neutral and non-polar, with isoleucine, which is neutral and non-polar, at codon 251 of the POT1 protein (p.Met251Ile). This variant is not present in population databases (gnomAD no frequency). This missense change has been observed in individual(s) with myelodysplastic syndrome (PMID: 34193977). ClinVar contains an entry for this variant (Variation ID: 475101). Invitae Evidence Modeling of protein sequence and biophysical properties (such as structural, functional, and spatial information, amino acid conservation, physicochemical variation, residue mobility, and thermodynamic stability) indicates that this missense variant is not expected to disrupt POT1 protein function with a negative predictive value of 80%. In summary, the available evidence is currently insufficient to determine the role of this variant in disease. Therefore, it has been classified as a Variant of Uncertain Significance.

GeneDx
Classification: Uncertain significance. Last evaluated: 2022-07-26. Review status: criteria provided, single submitter. Criteria: GeneDx Variant Classification Process June 2021. Collection method: clinical testing. Allele origin: germline. Affected: yes.
Comment: Not observed at significant frequency in large population cohorts (gnomAD); In silico analysis supports that this missense variant does not alter protein structure/function; Has not been previously published as pathogenic or benign to our knowledge; This variant is associated with the following publications: (PMID: 28393830)

Literature cited by the submitters: PubMed 34193977 (cited by Labcorp Genetics (formerly Invitae), Labcorp).

NM_015450.3(POT1):c.753G>C (p.Met251Ile)

Gene: POT1 (protection of telomeres 1; minus strand). Cytogenetic location: 7q31.33.
Variant type: single nucleotide variant.
Coding change: c.753G>C on transcript NM_015450.3 (MANE Select); coding-DNA position 753, G replaced by C.
Protein change: p.Met251Ile; replaces methionine 251 with isoleucine.
Molecular consequence: missense variant. On other transcripts: non-coding transcript variant (3).
Genome position (GRCh38, 1-based): chr7:124,853,088, C>G on the plus strand (G>C on the coding strand, the complement: POT1 is on the minus strand). VCF-style: chr7-124853088-C-G. GRCh37 (hg19) VCF-style: chr7-124493142-C-G.
Other names: c.360G>C, p.Met120Ile (NM_001042594.2); short protein forms M251I, M120I.
Identifiers: ClinVar variation 475101 (VCV000475101.13), dbSNP rs1172142052, ClinGen allele CA369055616.
Genomic context (GRCh38, chr7:124,853,088, plus strand): 5'-GTAACTGGTACCTCCATGAAGATGAAACTCTAAACTTAACATTGTCTGATTCTCTGAATT[C>G]ATTGATTGAAGTTTGGTATGAAGGCTATAGATTCTAAGAAAGCTTCCAACCTAAAAAATA-3'
Protein context (NP_056265.2, residues 241-261): IYSLHTKLQS[Met251Ile]NSENQTMLSL